The following is an entry in ClinVar:

NM_001267550.2(TTN):c.23939-9C>A

Gene: TTN (titin; minus strand). Cytogenetic location: 2q31.2.
Variant type: single nucleotide variant.
Coding change: c.23939-9C>A on transcript NM_001267550.2 (MANE Select); 9 bases into the intron before coding-DNA position 23939, C replaced by A.
Molecular consequence: intron variant.
Genome position (GRCh38, 1-based): chr2:178,719,460, G>T on the plus strand (C>A on the coding strand, the complement: TTN is on the minus strand). VCF-style: chr2-178719460-G-T. GRCh37 (hg19) VCF-style: chr2-179584187-G-T.
Other names: c.13282+18622C>A (NM_003319.4); c.13858+18622C>A (NM_133437.4); c.13657+18622C>A (NM_133432.3); c.20207-9C>A (NM_133378.4); c.22988-9C>A (NM_001256850.1).
Identifiers: ClinVar variation 1195068 (VCV001195068.2), dbSNP rs1342376530, ClinGen allele CA1039716647.

ClinVar aggregate classification (germline): Uncertain significance (1 of 4 stars; one submission).

Submission:

GeneDx
Classification: Uncertain significance. Last evaluated: 2021-06-01. Review status: criteria provided, single submitter. Criteria: GeneDx Variant Classification Process June 2021. Collection method: clinical testing. Allele origin: germline. Affected: yes.
Comment: Not observed at significant frequency in large population cohorts (Lek et al., 2016); In-silico analysis, which includes splice predictors and evolutionary conservation, is inconclusive as to whether the variant alters gene splicing. In the absence of RNA/functional studies, the actual effect of this sequence change is unknown.; Located in a region that tolerates variation and lacks pathogenic variants; Has not been previously published as pathogenic or benign to our knowledge; This variant is associated with the following publications: (PMID: 27535533)